The following is an entry in ClinVar:

NM_052867.4(NALCN):c.3295G>A (p.Asp1099Asn)

Gene: NALCN (sodium leak channel, non-selective; minus strand). Cytogenetic location: 13q32.3.
Variant type: single nucleotide variant.
Coding change: c.3295G>A on transcript NM_052867.4 (MANE Select); coding-DNA position 3295, G replaced by A.
Protein change: p.Asp1099Asn; replaces aspartic acid 1099 with asparagine.
Molecular consequence: missense variant.
Genome position (GRCh38, 1-based): chr13:101,089,941, C>T on the plus strand (G>A on the coding strand, the complement: NALCN is on the minus strand). VCF-style: chr13-101089941-C-T. GRCh37 (hg19) VCF-style: chr13-101742292-C-T.
Other names: c.3382G>A, p.Asp1128Asn (NM_001350748.2); c.3295G>A, p.Asp1099Asn (NM_001350749.2); c.3208G>A, p.Asp1070Asn (NM_001350750.2, NM_001350751.2); short protein forms D1099N, D1128N, D1070N.
Identifiers: ClinVar variation 2877495 (VCV002877495.3), dbSNP rs1354215007, ClinGen allele CA388653262.
Genomic context (GRCh38, chr13:101,089,941, plus strand): 5'-CCACCCAGCCTTTCAAGGAGAGAACTTCAAACAACGCCAGCATAGCGTTTCCCACATTGT[C>T]GAAATTAAAGTTCCGAGGATTCGCCCTGCGATTCCAATACAGGAATGTTCTGTGAAATTC-3'
Protein context (NP_443099.1, residues 1089-1109): VWANPRNFNF[Asp1099Asn]NVGNAMLALF

ClinVar aggregate classification (germline): Uncertain significance (1 of 4 stars; one submission).

gnomAD v4.1: 2 of 1,613,922 alleles (0.00012%); highest among the groups gnomAD compares: Admixed American, 0.0017%; no homozygotes.

Submission:

Labcorp Genetics (formerly Invitae), Labcorp
Classification: Uncertain significance. Last evaluated: 2023-06-07. Review status: criteria provided, single submitter. Criteria: Invitae Variant Classification Sherloc (09022015). Collection method: clinical testing. Allele origin: germline.
Comment: This variant has not been reported in the literature in individuals affected with NALCN-related conditions. In summary, the available evidence is currently insufficient to determine the role of this variant in disease. Therefore, it has been classified as a Variant of Uncertain Significance. Advanced modeling of protein sequence and biophysical properties (such as structural, functional, and spatial information, amino acid conservation, physicochemical variation, residue mobility, and thermodynamic stability) performed at Invitae indicates that this missense variant is not expected to disrupt NALCN protein function. This variant is present in population databases (no rsID available, gnomAD 0.003%). This sequence change replaces aspartic acid, which is acidic and polar, with asparagine, which is neutral and polar, at codon 1099 of the NALCN protein (p.Asp1099Asn).